The following is an entry in ClinVar:

NM_145207.3(AFG2A):c.1948C>G (p.Pro650Ala)

Gene: AFG2A (AAA ATPase AFG2A; plus strand). Cytogenetic location: 4q28.1.
Variant type: single nucleotide variant.
Coding change: c.1948C>G on transcript NM_145207.3 (MANE Select); coding-DNA position 1948, C replaced by G.
Protein change: p.Pro650Ala; replaces proline 650 with alanine.
Molecular consequence: missense variant.
Genome position (GRCh38, 1-based): chr4:123,028,264, C>G. VCF-style: chr4-123028264-C-G. GRCh37 (hg19) VCF-style: chr4-123949419-C-G.
Other names: c.1945C>G, p.Pro649Ala (NM_001317799.2, NM_001345856.2); short protein forms P650A, P649A.
Identifiers: ClinVar variation 1393453 (VCV001393453.5), dbSNP rs1198860700, ClinGen allele CA358102483.
Genomic context (GRCh38, chr4:123,028,264, plus strand): 5'-GGAGGACTGGAAAGTATCAAACTGAAGTTGGAACAGGCTGTGGAATGGCCCTTAAAACAT[C>G]CAGAGTCTTTCATTCGAATGGGTATTCAGCCACCTAAAGGAGTTCTTCTCTATGGGCCAC-3'
Protein context (NP_660208.2, residues 640-660): EQAVEWPLKH[Pro650Ala]ESFIRMGIQP

ClinVar aggregate classification (germline): Uncertain significance (1 of 4 stars; one submission).

Conditions:
Microcephaly-intellectual disability-sensorineural hearing loss-epilepsy-abnormal muscle tone syndrome (NEDHSB). Also called: NEURODEVELOPMENTAL DISORDER WITH HEARING LOSS, SEIZURES, AND BRAIN ABNORMALITIES. Identifiers: Orphanet 457351, MedGen C4225276, MONDO:0014698, OMIM 616577.

gnomAD v4.1: 1 of 1,614,122 alleles (0.000062%); highest among the groups gnomAD compares: Non-Finnish European, 0.000085%; no homozygotes.

Submission:

Labcorp Genetics (formerly Invitae), Labcorp
Classification: Uncertain significance for Microcephaly-intellectual disability-sensorineural hearing loss-epilepsy-abnormal muscle tone syndrome. Last evaluated: 2021-11-15. Review status: criteria provided, single submitter. Criteria: Invitae Variant Classification Sherloc (09022015). Collection method: clinical testing. Allele origin: germline.
Comment: Advanced modeling of protein sequence and biophysical properties (such as structural, functional, and spatial information, amino acid conservation, physicochemical variation, residue mobility, and thermodynamic stability) performed at Invitae indicates that this missense variant is expected to disrupt SPATA5 protein function. This variant has not been reported in the literature in individuals affected with SPATA5-related conditions. This variant is not present in population databases (gnomAD no frequency). This sequence change replaces proline, which is neutral and non-polar, with alanine, which is neutral and non-polar, at codon 650 of the SPATA5 protein (p.Pro650Ala). In summary, the available evidence is currently insufficient to determine the role of this variant in disease. Therefore, it has been classified as a Variant of Uncertain Significance.